The following is an entry in ClinVar:

NM_001040108.2(MLH3):c.1784T>C (p.Val595Ala)

Gene: MLH3 (mutL homolog 3; minus strand). Cytogenetic location: 14q24.3.
Variant type: single nucleotide variant.
Coding change: c.1784T>C on transcript NM_001040108.2 (MANE Select); coding-DNA position 1784, T replaced by C.
Protein change: p.Val595Ala; replaces valine 595 with alanine.
Molecular consequence: missense variant.
Genome position (GRCh38, 1-based): chr14:75,047,872, A>G on the plus strand (T>C on the coding strand, the complement: MLH3 is on the minus strand). VCF-style: chr14-75047872-A-G. GRCh37 (hg19) VCF-style: chr14-75514575-A-G.
Other names: c.1784T>C, p.Val595Ala (NM_014381.3); short protein forms V595A.
Identifiers: ClinVar variation 3396663 (VCV003396663.1).
Genomic context (GRCh38, chr14:75,047,872, plus strand): 5'-TTTTGTACTACATGAGTTATAAAGCCAGTGGAACATAATTTAACTCGCCCATAACTAAAA[A>G]CATTTCTTCTTCCACAATTGCTAGATTCTTTTTTTTTCTCTTTCTCTGTCTGAGCACTAT-3'
Protein context (NP_001035197.1, residues 585-605): KESSNCGRRN[Val595Ala]FSYGRVKLCS

ClinVar aggregate classification (germline): Uncertain significance (1 of 4 stars; one submission).

Submission:

Ambry Genetics
Classification: Uncertain significance. Last evaluated: 2024-07-13. Review status: criteria provided, single submitter. Criteria: Ambry Variant Classification Scheme 2023. Collection method: clinical testing. Allele origin: germline.
Comment: The p.V595A variant (also known as c.1784T>C), located in coding exon 1 of the MLH3 gene, results from a T to C substitution at nucleotide position 1784. The valine at codon 595 is replaced by alanine, an amino acid with similar properties. This amino acid position is conserved. In addition, this alteration is predicted to be tolerated by in silico analysis. Based on the available evidence, the clinical significance of this variant remains unclear.